The following is an entry in ClinVar:

ClinVar aggregate classification (germline): Conflicting classifications of pathogenicity. Review status: criteria provided, conflicting classifications (1 of 4 stars). 2 submissions from 2 submitters: Likely pathogenic (1); Uncertain significance (1). Last evaluated 2016-06-16.

Conditions:
Cardiomyopathy (CMYO). Also called: Cardiomyopathies. Identifiers: Orphanet 167848, MedGen C0878544, MONDO:0004994, HP:0001638. Inheritance: Various modes of inheritance.

Submissions (2):

CHEO Genetics Diagnostic Laboratory, Children's Hospital of Eastern Ontario
Classification: Uncertain significance for Cardiomyopathy. Last evaluated: 2016-06-16. Review status: criteria provided, single submitter. Criteria: ACMG Guidelines, 2015. Collection method: clinical testing. Allele origin: germline. Study: Canadian Open Genetics Repository.

GeneDx
Classification: Likely pathogenic. Last evaluated: 2014-02-20. Review status: criteria provided, single submitter. Criteria: GeneDx Variant Classification (06012015). Collection method: clinical testing. Allele origin: germline. Affected: yes.
Comment: p.Met271Thr (ATG>ACG): c.812 T>C in exon 6 of the ACTC1 gene (NM_005159.4). While the M271T mutation in the ACTC1 gene has not been reported to our knowledge, a mutation affecting this same residue, (M271V), has been reported in association with left ventricular non-compaction and was absent from 384 ethnically-matched healthy control chromosomes (Hoedemaekers Y et al., 2010). Furthermore, M271T was not observed in approximately 6,500 individuals of European and African American ancestry in the NHLBI Exome Sequencing Project, indicating it is not a common benign variant in these populations. Additionally, a mutation in a nearby residue (S273F) has been reported in association with cardiomyopathy further supporting the functional importance of this residue and this region of the protein. The M271T mutation is a non-conservative amino acid substitution because these residues differ in polarity, charge, size and/or other properties and are more likely to impact secondary structure. The M271 residue is conserved across species. In silico algorithms are inconsistent in their predictions but at least two concur that M271T is possibly damaging to the protein structure/function. In summary, M271T in the ACTC1 gene is interpreted as a likely disease-causing mutation. The variant is found in DCM-CRDM panel(s).

NM_005159.5(ACTC1):c.812T>C (p.Met271Thr)

Genes: ACTC1 (actin alpha cardiac muscle 1; minus strand), GJD2-DT (GJD2 divergent transcript; plus strand). Cytogenetic location: 15q14.
Variant type: single nucleotide variant.
Coding change: c.812T>C on transcript NM_005159.5 (MANE Select); coding-DNA position 812, T replaced by C.
Protein change: p.Met271Thr; replaces methionine 271 with threonine.
Molecular consequence: missense variant.
Genome position (GRCh38, 1-based): chr15:34,791,292, A>G on the plus strand (T>C on the coding strand, the complement: ACTC1 is on the minus strand). VCF-style: chr15-34791292-A-G. GRCh37 (hg19) VCF-style: chr15-35083493-A-G.
Other names: p.M271T:ATG>ACG; c.812T>C (LRG_388t1); short protein forms M271T.
Identifiers: ClinVar variation 180767 (VCV000180767.4), dbSNP rs730880401, ClinGen allele CA019952.
Genomic context (GRCh38, chr15:34,791,292, plus strand): 5'-ATATCAATGTCACACTTCATGATGCTATTGTAAGTTGTTTCATGGATGCCAGCAGATTCC[A>G]TACCTGGGAACGAGTCACACACACACACACACACACACACACACACACACACACACACAC-3'
Protein context (NP_005150.1, residues 261-281): ETLFQPSFIG[Met271Thr]ESAGIHETTY